The following is an entry in ClinVar:

NM_001286.5(CLCN6):c.1505T>C (p.Leu502Ser)

Gene: CLCN6 (chloride voltage-gated channel 6; plus strand). Cytogenetic location: 1p36.22.
Variant type: single nucleotide variant.
Coding change: c.1505T>C on transcript NM_001286.5 (MANE Select); coding-DNA position 1505, T replaced by C.
Protein change: p.Leu502Ser; replaces leucine 502 with serine.
Molecular consequence: missense variant. On other transcripts: non-coding transcript variant (1).
Genome position (GRCh38, 1-based): chr1:11,834,009, T>C. VCF-style: chr1-11834009-T-C. GRCh37 (hg19) VCF-style: chr1-11894066-T-C.
Other names: c.1439T>C, p.Leu480Ser (NM_001256959.2); short protein forms L480S, L502S.
Identifiers: ClinVar variation 3665839 (VCV003665839.2).

ClinVar aggregate classification (germline): Uncertain significance (1 of 4 stars; one submission).

gnomAD v4.1: 2 of 1,614,030 alleles (0.00012%); highest among the groups gnomAD compares: Non-Finnish European, 0.00017%; no homozygotes.

Submission:

Labcorp Genetics (formerly Invitae), Labcorp
Classification: Uncertain significance. Last evaluated: 2024-07-11. Review status: criteria provided, single submitter. Criteria: Invitae Variant Classification Sherloc (09022015). Collection method: clinical testing. Allele origin: germline.
Comment: This sequence change replaces leucine, which is neutral and non-polar, with serine, which is neutral and polar, at codon 502 of the CLCN6 protein (p.Leu502Ser). This variant is present in population databases (no rsID available, gnomAD 0.007%). This variant has not been reported in the literature in individuals affected with CLCN6-related conditions. An algorithm developed to predict the effect of missense changes on protein structure and function (PolyPhen-2) suggests that this variant is likely to be disruptive. In summary, the available evidence is currently insufficient to determine the role of this variant in disease. Therefore, it has been classified as a Variant of Uncertain Significance.